The following is an entry in ClinVar:

ClinVar aggregate classification (germline): Uncertain significance (1 of 4 stars; one submission).

Submission:

GeneDx
Classification: Uncertain significance. Last evaluated: 2023-02-21. Review status: criteria provided, single submitter. Criteria: GeneDx Variant Classification Process June 2021. Collection method: clinical testing. Allele origin: germline. Affected: yes.
Comment: Not observed at significant frequency in large population cohorts (gnomAD); Has not been previously published as pathogenic or benign to our knowledge; Variants in candidate genes are classified as variants of uncertain significance in accordance with ACMG guidelines (Richards et al., 2015); Canonical splice site variant in a gene for which loss-of-function is not a known mechanism of disease.

NM_001470.4(GABBR1):c.1132-1G>A

Gene: GABBR1 (gamma-aminobutyric acid type B receptor subunit 1; minus strand). Cytogenetic location: 6p22.1.
Variant type: single nucleotide variant.
Coding change: c.1132-1G>A on transcript NM_001470.4 (MANE Select); the canonical splice acceptor site of the intron before coding-DNA position 1132, G replaced by A.
Molecular consequence: splice acceptor variant.
Genome position (GRCh38, 1-based): chr6:29,621,293, C>T on the plus strand (G>A on the coding strand, the complement: GABBR1 is on the minus strand). VCF-style: chr6-29621293-C-T. GRCh37 (hg19) VCF-style: chr6-29589070-C-T.
Other names: c.946-1G>A (NM_021904.4); c.601-1G>A (NM_001319053.2); c.781-1G>A (NM_021903.3).
Identifiers: ClinVar variation 2576652 (VCV002576652.1), dbSNP rs2483301945, ClinGen allele CA363034609.
Genomic context (GRCh38, chr6:29,621,293, plus strand): 5'-AGCATACCACCCAATGAGGAACCAGACGTACTTCTTCCCAAAGAGACGCTCCTTGTACAC[C>T]TGAATACAGAGGAGAATGGCTGAGTTTTTGTTTGCTCATTTGTTTGTTTTTGTCTTATCT-3'